The following is an entry in ClinVar:

ClinVar aggregate classification (germline): Uncertain significance (1 of 4 stars; one submission).

Conditions:
DRD3-related disorder. Also called: DRD3-related condition.

Submission:

PreventionGenetics, part of Exact Sciences
Classification: Uncertain significance for DRD3-related condition. Last evaluated: 2025-11-19. Review status: criteria provided, single submitter. Criteria: ACMG Guidelines, 2015. Collection method: clinical testing. Allele origin: germline.
Comment: The DRD3 c.976_978delAAG variant is predicted to result in an in-frame deletion (p.Lys326del). To our knowledge, this variant has not been reported in the literature or in a large population database (gnomAD), indicating this variant is rare. At this time, the clinical significance of this variant is uncertain due to the absence of conclusive functional and genetic evidence.

NM_000796.6(DRD3):c.973AAG[1] (p.Lys326del)

Gene: DRD3 (dopamine receptor D3; minus strand). Cytogenetic location: 3q13.31.
Variant type: Microsatellite.
Coding change: c.973AAG[1] on transcript NM_000796.6 (MANE Select); one copy of the 3-base unit AAG starting at c.973; the reference has two copies in a row; one copy, 3 bases deleted.
Protein change: p.Lys326del; deletes lysine 326.
Molecular consequence: inframe deletion.
Genome position (GRCh38, 1-based): chr3:114,131,146-114,131,148, CTT deleted on the plus strand (AAG on the coding strand, the reverse complement: DRD3 is on the minus strand); deleting any 3 consecutive bases within chr3:114,131,146-114,131,153 gives the same sequence; the position shown is the placement nearest the transcript's 3' end. VCF-style (leftmost placement, unchanged base first): chr3-114131145-CCTT-C. GRCh37 (hg19) VCF-style: chr3-113849992-CCTT-C.
Other names: c.973AAG[1], p.Lys326del (NM_001282563.2, NM_001290809.1); c.874AAG[1], p.Lys293del (NM_033663.6); short protein forms K293del, K326del.
Identifiers: ClinVar variation 4985009 (VCV004985009.1).
Genomic context (GRCh38, chr3:114,131,145, plus strand): 5'-AACCCAACACAGCTCAAGCCAACCCAAACTTACCAAGCACAATGGCCACCATTTGGGTTG[CCTT>C]CTTCTCCCGAAGTGGCACTCCCCGAGGTTGCAGGGGCCCCAGCTTCAAAGATGTCGATAA-3'